The following is an entry in ClinVar:

NC_000016.9:g.(?_74808364)_(74808653_?)del

Gene: FA2H (fatty acid 2-hydroxylase; minus strand). Cytogenetic location: 16q23.1.
Variant type: Deletion.
Identifiers: ClinVar variation 2426811 (VCV002426811.4).

ClinVar aggregate classification (germline): Pathogenic (1 of 4 stars; one submission).

Conditions:
Spastic paraplegia. Identifiers: MedGen C0037772, HP:0001258.

Submission:

Labcorp Genetics (formerly Invitae), Labcorp
Classification: Pathogenic for Spastic paraplegia. Last evaluated: 2022-01-18. Review status: criteria provided, single submitter. Criteria: Invitae Variant Classification Sherloc (09022015). Collection method: clinical testing. Allele origin: germline.
Comment: For these reasons, this variant has been classified as Pathogenic. This variant has not been reported in the literature in individuals affected with FA2H-related conditions. This variant is a gross deletion of the genomic region encompassing exon(s) 1 of the FA2H gene, which includes the initiator codon. This deletion extends beyond the assayed region for this gene and therefore may encompass additional genes. It is expected to result in an absent or disrupted protein product. Loss-of-function variants in FA2H are known to be pathogenic (PMID: 20853438, 25496456, 25732363, 26344562).

Literature cited by the submitters: PubMed 20853438; PubMed 25496456; PubMed 25732363; PubMed 26344562.